The following is an entry in ClinVar:

NM_002206.3(ITGA7):c.602C>T (p.Thr201Ile)

Gene: ITGA7 (integrin subunit alpha 7; minus strand). Cytogenetic location: 12q13.2.
Variant type: single nucleotide variant.
Coding change: c.602C>T on transcript NM_002206.3 (MANE Select); coding-DNA position 602, C replaced by T.
Protein change: p.Thr201Ile; replaces threonine 201 with isoleucine.
Molecular consequence: missense variant. On other transcripts: 5 prime UTR variant (1).
Genome position (GRCh38, 1-based): chr12:55,700,967, G>A on the plus strand (C>T on the coding strand, the complement: ITGA7 is on the minus strand). VCF-style: chr12-55700967-G-A. GRCh37 (hg19) VCF-style: chr12-56094751-G-A.
Other names: c.602C>T, p.Thr201Ile (NM_001144996.2, NM_001374465.1, NM_001410977.1 and 5 more transcripts); c.311C>T, p.Thr104Ile (NM_001144997.2); c.263C>T, p.Thr88Ile (NM_001367993.1, NM_001414035.1); c.-571C>T (NM_001367994.1); c.419C>T, p.Thr140Ile (NM_001414033.1); short protein forms T104I, T140I, T201I, T88I.
Identifiers: ClinVar variation 1969762 (VCV001969762.5), dbSNP rs2136055668, ClinGen allele CA385192060.
Genomic context (GRCh38, chr12:55,700,967, plus strand): 5'-TTATAGGTTCCTGGGGCCCCAAAGAGGAGGTAGTGGCTATCAGGGGAGAAGGCGGCAGCT[G>A]TGCCCTGCTGGCAGAACCCAAATTGTTCATGGCCTTGGGGGCGTCCCTCACAGAACTTCC-3'
Protein context (NP_002197.2, residues 191-211): HEQFGFCQQG[Thr201Ile]AAAFSPDSHY

ClinVar aggregate classification (germline): Uncertain significance (1 of 4 stars; one submission).

Conditions:
Congenital muscular dystrophy due to integrin alpha-7 deficiency. Also called: MYOPATHY, CONGENITAL, DUE TO INTEGRIN ALPHA-7 DEFICIENCY; Congenital muscular dystrophy with integrin alpha-7 deficiency; Muscular dystrophy, congenital, due to ITGA7 deficiency. Identifiers: Orphanet 34520, MedGen C2750786, MONDO:0013177, OMIM 613204.

Submission:

Labcorp Genetics (formerly Invitae), Labcorp
Classification: Uncertain significance for Congenital muscular dystrophy due to integrin alpha-7 deficiency. Last evaluated: 2022-07-03. Review status: criteria provided, single submitter. Criteria: Invitae Variant Classification Sherloc (09022015). Collection method: clinical testing. Allele origin: germline.
Comment: This sequence change replaces threonine, which is neutral and polar, with isoleucine, which is neutral and non-polar, at codon 201 of the ITGA7 protein (p.Thr201Ile). This variant is not present in population databases (gnomAD no frequency). This variant has not been reported in the literature in individuals affected with ITGA7-related conditions. Algorithms developed to predict the effect of missense changes on protein structure and function (SIFT, PolyPhen-2, Align-GVGD) all suggest that this variant is likely to be tolerated. In summary, the available evidence is currently insufficient to determine the role of this variant in disease. Therefore, it has been classified as a Variant of Uncertain Significance.